The following is an entry in ClinVar:

ClinVar aggregate classification (germline): Uncertain significance (1 of 4 stars; one submission).

gnomAD v4.1: 17 of 1,198,933 alleles (0.0014%); highest among the groups gnomAD compares: East Asian, 0.033%; no homozygotes.

Submission:

Labcorp Genetics (formerly Invitae), Labcorp
Classification: Uncertain significance. Last evaluated: 2025-10-09. Review status: criteria provided, single submitter. Criteria: Invitae Variant Classification Sherloc (09022015). Collection method: clinical testing. Allele origin: germline.
Comment: This sequence change replaces histidine, which is basic and polar, with arginine, which is basic and polar, at codon 130 of the EFNB1 protein (p.His130Arg). The frequency data for this variant in the population databases is considered unreliable, as metrics indicate poor data quality at this position in the gnomAD database. This variant has not been reported in the literature in individuals affected with EFNB1-related conditions. Invitae Evidence Modeling of protein sequence and biophysical properties (such as structural, functional, and spatial information, amino acid conservation, physicochemical variation, residue mobility, and thermodynamic stability) indicates that this missense variant is not expected to disrupt EFNB1 protein function with a negative predictive value of 80%. In summary, the available evidence is currently insufficient to determine the role of this variant in disease. Therefore, it has been classified as a Variant of Uncertain Significance.

NM_004429.5(EFNB1):c.389A>G (p.His130Arg)

Gene: EFNB1 (ephrin B1; plus strand). Cytogenetic location: Xq13.1.
Variant type: single nucleotide variant.
Coding change: c.389A>G on transcript NM_004429.5 (MANE Select); coding-DNA position 389, A replaced by G.
Protein change: p.His130Arg; replaces histidine 130 with arginine.
Molecular consequence: missense variant.
Genome position (GRCh38, 1-based): chrX:68,838,877, A>G. VCF-style: chrX-68838877-A-G. GRCh37 (hg19) VCF-style: chrX-68058720-A-G.
Other names: short protein forms H130R.
Identifiers: ClinVar variation 4698328 (VCV004698328.1).